The following is an entry in ClinVar:

NM_025081.3(NYNRIN):c.1894G>T (p.Val632Leu)

Gene: NYNRIN (NYN domain and retroviral integrase containing; plus strand). Cytogenetic location: 14q12.
Variant type: single nucleotide variant.
Coding change: c.1894G>T on transcript NM_025081.3 (MANE Select); coding-DNA position 1894, G replaced by T.
Protein change: p.Val632Leu; replaces valine 632 with leucine.
Molecular consequence: missense variant.
Genome position (GRCh38, 1-based): chr14:24,409,688, G>T. VCF-style: chr14-24409688-G-T. GRCh37 (hg19) VCF-style: chr14-24878894-G-T.
Other names: c.1894G>T (NM_025081.2); short protein forms V632L.
Identifiers: ClinVar variation 3713927 (VCV003713927.3).
Genomic context (GRCh38, chr14:24,409,688, plus strand): 5'-GTGTTGGTAGCTCAAGTGGAACCCACAACTCCAAAAACTCCCCAGGCTCAGAAGATGCCT[G>T]TAGCAAAAACATCACCTGCAGGTCCCAAAACACCCAAAGCTCAAGCCGGGCCTGCAGCTA-3'
Protein context (NP_079357.2, residues 622-642): PKTPQAQKMP[Val632Leu]AKTSPAGPKT

ClinVar aggregate classification (germline): Uncertain significance. Review status: criteria provided, multiple submitters, no conflicts (2 of 4 stars). 2 submissions from 2 submitters: Uncertain significance (2). Last evaluated 2025-08-07.

Submissions (2):

Ambry Genetics
Classification: Uncertain significance. Last evaluated: 2025-08-07. Review status: criteria provided, single submitter. Criteria: Ambry Variant Classification Scheme 2023. Collection method: clinical testing. Allele origin: germline.

Labcorp Genetics (formerly Invitae), Labcorp
Classification: Uncertain significance. Last evaluated: 2024-06-11. Review status: criteria provided, single submitter. Criteria: Invitae Variant Classification Sherloc (09022015). Collection method: clinical testing. Allele origin: germline.
Comment: This sequence change replaces valine, which is neutral and non-polar, with leucine, which is neutral and non-polar, at codon 632 of the NYNRIN protein (p.Val632Leu). This variant is present in population databases (no rsID available, gnomAD 0.006%). This variant has not been reported in the literature in individuals affected with NYNRIN-related conditions. In summary, the available evidence is currently insufficient to determine the role of this variant in disease. Therefore, it has been classified as a Variant of Uncertain Significance.